The following is an entry in ClinVar:

NM_006059.4(LAMC3):c.1202G>A (p.Cys401Tyr)

Gene: LAMC3 (laminin subunit gamma 3; plus strand). Cytogenetic location: 9q34.12.
Variant type: single nucleotide variant.
Coding change: c.1202G>A on transcript NM_006059.4 (MANE Select); coding-DNA position 1202, G replaced by A.
Protein change: p.Cys401Tyr; replaces cysteine 401 with tyrosine.
Molecular consequence: missense variant.
Genome position (GRCh38, 1-based): chr9:131,039,167, G>A. VCF-style: chr9-131039167-G-A. GRCh37 (hg19) VCF-style: chr9-133914554-G-A.
Other names: short protein forms C401Y.
Identifiers: ClinVar variation 1419284 (VCV001419284.3), dbSNP rs769446080, ClinGen allele CA5286989.

ClinVar aggregate classification (germline): Uncertain significance (1 of 4 stars; one submission).

Allele frequency attached by ClinVar (database versions not stated): gnomAD exomes below 0.00001 and 0.00001; ExAC 0.00001.
gnomAD v4.1: 2 of 1,611,002 alleles (0.00012%); highest among the groups gnomAD compares: Admixed American, 0.0033%; no homozygotes.

Submission:

Labcorp Genetics (formerly Invitae), Labcorp
Classification: Uncertain significance. Last evaluated: 2022-06-15. Review status: criteria provided, single submitter. Criteria: Invitae Variant Classification Sherloc (09022015). Collection method: clinical testing. Allele origin: germline.
Comment: This sequence change replaces cysteine, which is neutral and slightly polar, with tyrosine, which is neutral and polar, at codon 401 of the LAMC3 protein (p.Cys401Tyr). This variant is present in population databases (rs769446080, gnomAD 0.006%). This variant has not been reported in the literature in individuals affected with LAMC3-related conditions. Algorithms developed to predict the effect of missense changes on protein structure and function (SIFT, PolyPhen-2, Align-GVGD) all suggest that this variant is likely to be disruptive. In summary, the available evidence is currently insufficient to determine the role of this variant in disease. Therefore, it has been classified as a Variant of Uncertain Significance.